The following is an entry in ClinVar:

ClinVar aggregate classification (germline): Likely benign. Review status: criteria provided, multiple submitters, no conflicts (2 of 4 stars). 2 submissions from 2 submitters: Likely benign (2). Last evaluated 2023-07-03.

Conditions:
Methylmalonic acidemia with homocystinuria, type cblX (MAHCX). Also called: INTELLECTUAL DEVELOPMENTAL DISORDER, X-LINKED 3. Identifiers: Orphanet 369962, MedGen C0796208, MONDO:0010657, OMIM 309541.

Allele frequency attached by ClinVar (database versions not stated): gnomAD exomes below 0.00001 and 0.00001.
gnomAD v4.1: 5 of 1,209,085 alleles (0.00041%); highest among the groups gnomAD compares: South Asian, 0.0018%; no homozygotes.

Submissions (2):

Labcorp Genetics (formerly Invitae), Labcorp
Classification: Likely benign for Methylmalonic acidemia with homocystinuria, type cblX. Last evaluated: 2023-07-03. Review status: criteria provided, single submitter. Criteria: Invitae Variant Classification Sherloc (09022015). Collection method: clinical testing. Allele origin: germline.

GeneDx
Classification: Likely benign. Last evaluated: 2018-01-12. Review status: criteria provided, single submitter. Criteria: GeneDx Variant Classification (06012015). Collection method: clinical testing. Allele origin: germline. Affected: yes.
Comment: This variant is considered likely benign or benign based on one or more of the following criteria: it is a conservative change, it occurs at a poorly conserved position in the protein, it is predicted to be benign by multiple in silico algorithms, and/or has population frequency not consistent with disease.

NM_005334.3(HCFC1):c.3342G>A (p.Thr1114=)

Gene: HCFC1 (host cell factor C1; minus strand). Cytogenetic location: Xq28.
Variant type: single nucleotide variant.
Coding change: c.3342G>A on transcript NM_005334.3 (MANE Select); coding-DNA position 3342, G replaced by A.
Protein change: p.Thr1114=; no amino-acid change (threonine 1114 retained).
Molecular consequence: synonymous variant.
Genome position (GRCh38, 1-based): chrX:153,955,057, C>T on the plus strand (G>A on the coding strand, the complement: HCFC1 is on the minus strand). VCF-style: chrX-153955057-C-T. GRCh37 (hg19) VCF-style: chrX-153220508-C-T.
Identifiers: ClinVar variation 514403 (VCV000514403.4), dbSNP rs868910589, ClinGen allele CA519702146.